The following is an entry in ClinVar:

NM_003737.4(DCHS1):c.776G>A (p.Arg259His)

Gene: DCHS1 (dachsous cadherin-related 1; minus strand). Cytogenetic location: 11p15.4.
Variant type: single nucleotide variant.
Coding change: c.776G>A on transcript NM_003737.4 (MANE Select); coding-DNA position 776, G replaced by A.
Protein change: p.Arg259His; replaces arginine 259 with histidine.
Molecular consequence: missense variant.
Genome position (GRCh38, 1-based): chr11:6,640,838, C>T on the plus strand (G>A on the coding strand, the complement: DCHS1 is on the minus strand). VCF-style: chr11-6640838-C-T. GRCh37 (hg19) VCF-style: chr11-6662069-C-T.
Other names: short protein forms R259H.
Identifiers: ClinVar variation 2070890 (VCV002070890.17), dbSNP rs781524621, ClinGen allele CA5861089.
Genomic context (GRCh38, chr11:6,640,838, plus strand): 5'-GCGAACACCTGCAAGACAGGACTGCCAGGGGCCAGGCTCTCAGACACCACAGCATGGTAG[C>T]GGCTCTGATTGAAAGCCGGGGCATGGTCATTGATGTCCAGCAGTGTCACGTCCAGCAGGG-3'
Protein context (NP_003728.1, residues 249-269): NDHAPAFNQS[Arg259His]YHAVVSESLA

ClinVar aggregate classification (germline): Uncertain significance. Review status: criteria provided, multiple submitters, no conflicts (2 of 4 stars). 2 submissions from 2 submitters: Uncertain significance (2). Last evaluated 2025-09-11.

Allele frequency attached by ClinVar (database versions not stated): TOPMed below 0.00001; gnomAD 0.00001; ExAC 0.00002; gnomAD exomes 0.00002; 1000 Genomes Project 30x 0.00031.
gnomAD v4.1: 36 of 1,614,048 alleles (0.0022%); highest among the groups gnomAD compares: East Asian, 0.0045%; no homozygotes.

Submissions (2):

Labcorp Genetics (formerly Invitae), Labcorp
Classification: Uncertain significance. Last evaluated: 2025-09-11. Review status: criteria provided, single submitter. Criteria: Invitae Variant Classification Sherloc (09022015). Collection method: clinical testing. Allele origin: germline.
Comment: This sequence change replaces arginine, which is basic and polar, with histidine, which is basic and polar, at codon 259 of the DCHS1 protein (p.Arg259His). This variant is present in population databases (rs781524621, gnomAD 0.006%). This variant has not been reported in the literature in individuals affected with DCHS1-related conditions. ClinVar contains an entry for this variant (Variation ID: 2070890). Invitae Evidence Modeling of protein sequence and biophysical properties (such as structural, functional, and spatial information, amino acid conservation, physicochemical variation, residue mobility, and thermodynamic stability) indicates that this missense variant is not expected to disrupt DCHS1 protein function with a negative predictive value of 95%. In summary, the available evidence is currently insufficient to determine the role of this variant in disease. Therefore, it has been classified as a Variant of Uncertain Significance.

CeGaT Center for Human Genetics Tuebingen
Classification: Uncertain significance. Last evaluated: 2025-02-01. Review status: criteria provided, single submitter. Criteria: CeGaT Center For Human Genetics Tuebingen Variant Classification Criteria Version 2. Collection method: clinical testing. Allele origin: germline. Affected: yes. Observed: 1 variant allele.
Comment: DCHS1: PM2